The following is an entry in ClinVar:

NM_001347886.2(DNAH3):c.2164T>C (p.Phe722Leu)

Gene: DNAH3 (dynein axonemal heavy chain 3; minus strand). Cytogenetic location: 16p12.3.
Variant type: single nucleotide variant.
Coding change: c.2164T>C on transcript NM_001347886.2 (MANE Select); coding-DNA position 2164, T replaced by C.
Protein change: p.Phe722Leu; replaces phenylalanine 722 with leucine.
Molecular consequence: missense variant.
Genome position (GRCh38, 1-based): chr16:21,104,535, A>G on the plus strand (T>C on the coding strand, the complement: DNAH3 is on the minus strand). VCF-style: chr16-21104535-A-G. GRCh37 (hg19) VCF-style: chr16-21115856-A-G.
Other names: c.2164T>C, p.Phe722Leu (NM_001394581.1); c.2302T>C, p.Phe768Leu (NM_017539.2); short protein forms F722L, F768L.
Identifiers: ClinVar variation 3774936 (VCV003774936.1).

ClinVar aggregate classification (germline): Uncertain significance (1 of 4 stars; one submission).

gnomAD v4.1: 1 of 1,614,018 alleles (0.000062%); highest among the groups gnomAD compares: South Asian, 0.0011%; no homozygotes.

Submission:

GeneDx
Classification: Uncertain significance. Last evaluated: 2023-09-01. Review status: criteria provided, single submitter. Criteria: GeneDx Variant Classification Process June 2021. Collection method: clinical testing. Allele origin: germline. Affected: yes.
Comment: Not observed at significant frequency in large population cohorts (gnomAD); In silico analysis supports that this missense variant has a deleterious effect on protein structure/function; Has not been previously published as pathogenic or benign to our knowledge; Variants in candidate genes are classified as variants of uncertain significance in accordance with ACMG guidelines (Richards et al., 2015)